The following is an entry in ClinVar:

NM_001190274.2(FBXO11):c.2033G>A (p.Arg678His)

Gene: FBXO11 (F-box protein 11; minus strand). Cytogenetic location: 2p16.3.
Variant type: single nucleotide variant.
Coding change: c.2033G>A on transcript NM_001190274.2 (MANE Select); coding-DNA position 2033, G replaced by A.
Protein change: p.Arg678His; replaces arginine 678 with histidine.
Molecular consequence: missense variant.
Genome position (GRCh38, 1-based): chr2:47,813,841, C>T on the plus strand (G>A on the coding strand, the complement: FBXO11 is on the minus strand). VCF-style: chr2-47813841-C-T. GRCh37 (hg19) VCF-style: chr2-48040980-C-T.
Other names: c.1781G>A, p.Arg594His (NM_001374325.1, NM_025133.4); short protein forms R594H, R678H.
Identifiers: ClinVar variation 2630363 (VCV002630363.5), dbSNP rs773132513, ClinGen allele CA1649670.
Genomic context (GRCh38, chr2:47,813,841, plus strand): 5'-TTAAACATACCAGAATTATAAACTAGAATTCCACCATTCTGTCCTCCCCAGATTTTGTTG[C>T]GTCTAATTTTGGGGTTGCTTCCAGTCCTGTAAACAGAATAGACAATAATACCATTTCAAT-3'
Protein context (NP_001177203.1, residues 668-688): IRTGSNPKIR[Arg678His]NKIWGGQNGG

ClinVar aggregate classification (germline): Uncertain significance. Review status: criteria provided, multiple submitters, no conflicts (2 of 4 stars). 2 submissions from 2 submitters: Uncertain significance (2). Last evaluated 2024-12-02.

Conditions:
FBXO11-related disorder. Also called: FBXO11-related condition.

Allele frequency attached by ClinVar (database versions not stated): ExAC 0.00001; gnomAD exomes 0.00001.
gnomAD v4.1: 12 of 1,613,424 alleles (0.00074%); highest among the groups gnomAD compares: East Asian, 0.0045%; no homozygotes.

Submissions (2):

PreventionGenetics, part of Exact Sciences
Classification: Uncertain significance for FBXO11-related condition. Last evaluated: 2024-12-02. Review status: criteria provided, single submitter. Criteria: ACMG Guidelines, 2015. Collection method: clinical testing. Allele origin: germline.
Comment: The FBXO11 c.2033G>A variant is predicted to result in the amino acid substitution p.Arg678His. To our knowledge, this variant has not been reported in the literature. This variant is reported in 0.0062% of alleles in individuals of African descent in gnomAD. At this time, the clinical significance of this variant is uncertain due to the absence of conclusive functional and genetic evidence.

Labcorp Genetics (formerly Invitae), Labcorp
Classification: Uncertain significance. Last evaluated: 2023-07-09. Review status: criteria provided, single submitter. Criteria: Invitae Variant Classification Sherloc (09022015). Collection method: clinical testing. Allele origin: germline.
Comment: In summary, the available evidence is currently insufficient to determine the role of this variant in disease. Therefore, it has been classified as a Variant of Uncertain Significance. An algorithm developed to predict the effect of missense changes on protein structure and function (PolyPhen-2) suggests that this variant is likely to be disruptive. This variant has not been reported in the literature in individuals affected with FBXO11-related conditions. This variant is present in population databases (rs773132513, gnomAD 0.007%). This sequence change replaces arginine, which is basic and polar, with histidine, which is basic and polar, at codon 678 of the FBXO11 protein (p.Arg678His).